The following is an entry in ClinVar:

ClinVar aggregate classification (germline): Uncertain significance. Review status: criteria provided, multiple submitters, no conflicts (2 of 4 stars). 2 submissions from 2 submitters: Uncertain significance (2). Last evaluated 2026-03-04.

Allele frequency attached by ClinVar (database versions not stated): TOPMed 0.00013.
gnomAD v4.1: 23 of 1,595,630 alleles (0.0014%); highest among the groups gnomAD compares: African/African-American, 0.028%; no homozygotes.

Submissions (2):

Women's Health and Genetics/Laboratory Corporation of America, LabCorp
Classification: Uncertain significance. Last evaluated: 2026-03-04. Review status: criteria provided, single submitter. Criteria: LabCorp Variant Classification Summary - May 2015. Collection method: clinical testing. Allele origin: germline.
Comment: Variant summary: AEBP1 c.832G>A (p.Ala278Thr) results in a non-conservative amino acid change in the encoded protein sequence. Algorithms developed to predict the effect of missense changes on protein structure and function are either unavailable or do not agree on the potential impact of this missense change. The variant allele was found at a frequency of 1.9e-05 in 214348 control chromosomes. The available data on variant occurrences in the general population are insufficient to allow any conclusion about variant significance. To our knowledge, no occurrence of c.832G>A in individuals affected with AEBP1-related conditions and no experimental evidence demonstrating its impact on protein function have been reported. ClinVar contains an entry for this variant (Variation ID: 1988996). Based on the evidence outlined above, the variant was classified as uncertain significance.

Labcorp Genetics (formerly Invitae), Labcorp
Classification: Uncertain significance. Last evaluated: 2022-09-25. Review status: criteria provided, single submitter. Criteria: Invitae Variant Classification Sherloc (09022015). Collection method: clinical testing. Allele origin: germline.
Comment: In summary, the available evidence is currently insufficient to determine the role of this variant in disease. Therefore, it has been classified as a Variant of Uncertain Significance. Algorithms developed to predict the effect of missense changes on protein structure and function output the following: SIFT: "Tolerated"; PolyPhen-2: "Benign"; Align-GVGD: "Class C0". The threonine amino acid residue is found in multiple mammalian species, which suggests that this missense change does not adversely affect protein function. This variant has not been reported in the literature in individuals affected with AEBP1-related conditions. This variant is present in population databases (rs750822533, gnomAD 0.02%). This sequence change replaces alanine, which is neutral and non-polar, with threonine, which is neutral and polar, at codon 278 of the AEBP1 protein (p.Ala278Thr).

NM_001129.5(AEBP1):c.832G>A (p.Ala278Thr)

Gene: AEBP1 (AE binding protein 1; plus strand). Cytogenetic location: 7p13.
Variant type: single nucleotide variant.
Coding change: c.832G>A on transcript NM_001129.5 (MANE Select); coding-DNA position 832, G replaced by A.
Protein change: p.Ala278Thr; replaces alanine 278 with threonine.
Molecular consequence: missense variant.
Genome position (GRCh38, 1-based): chr7:44,107,901, G>A. VCF-style: chr7-44107901-G-A. GRCh37 (hg19) VCF-style: chr7-44147500-G-A.
Other names: short protein forms A278T.
Identifiers: ClinVar variation 1988996 (VCV001988996.3), dbSNP rs750822533, ClinGen allele CA4237640.